The following is an entry in ClinVar:

NM_006363.6(SEC23B):c.1512-16_1512-7del

Gene: SEC23B (SEC23 homolog B, COPII component; plus strand). Cytogenetic location: 20p11.23.
Variant type: Deletion.
Coding change: c.1512-16_1512-7del on transcript NM_006363.6 (MANE Select); 16 bases into the intron before coding-DNA position 1512 through 7 bases into the intron before coding-DNA position 1512, 10 bases deleted (ACTCTGGAAT; older notation c.1512-16_1512-7delACTCTGGAAT).
Molecular consequence: intron variant.
Genome position (GRCh38, 1-based): chr20:18,543,003-18,543,012, ACTCTGGAAT deleted. VCF-style (leftmost placement, unchanged base first): chr20-18543002-AACTCTGGAAT-A. GRCh37 (hg19) VCF-style: chr20-18523646-AACTCTGGAAT-A.
Other names: c.1512-16_1512-7del (NM_032986.5, NM_001172745.3, NM_032985.6); c.1458-16_1458-7del (NM_001172746.3); c.1512-16_1512-7delACTCTGGAAT (NM_006363.6).
Identifiers: ClinVar variation 3896703 (VCV003896703.1), dbSNP rs2060301818.

ClinVar aggregate classification (germline): Uncertain significance (1 of 4 stars; one submission).

Conditions:
Congenital dyserythropoietic anemia, type II (CDAN2). Also called: DYSERYTHROPOIETIC ANEMIA, HEMPAS TYPE. Identifiers: Orphanet 98873, MedGen C1306589, MONDO:0009134, OMIM 224100.

Submission:

BloodGenetics
Classification: Uncertain significance for Congenital dyserythropoietic anemia, type II. Last evaluated: 2025-03-12. Review status: criteria provided, single submitter. Criteria: ACMG Guidelines, 2015. Collection method: clinical testing. Allele origin: germline. Affected: yes. Observed: 1 variant allele.
Comment: The NM_006363.6(SEC23B):c.1512-16_1512-7delACTCTGGAA splicing variant may affect the acceptor splice site in intron 13 of the SEC23B gene. This variant was identified in cis with the variant NM_006363.6:c.1512-3delinsTT; This case was reported in the publication PMID: 37373084, where functional studies were performed to assess the impact of this and other variants. Analysis of mRNA from the patient’s lymphoblastoid cell line (LCL) revealed that the complex variant (NM_032986.4:c.1512-3delinsTT; c.1512-16_1512-7delACTCTGGAAT) leads to skipping of exons 13 and 14 in the SEC23B transcript. In summary, this variant meets criteria to be classified as variant of unknown significance (VUS) for CDA type II based on the ACMG/AMP criteria applied: PM2 supporting and BP4 supporting. Based on these evidences we classified this variant as variant of unknown significance (VUS).

Literature cited by the submitters: PubMed 37373084.